The following is an entry in ClinVar:

ClinVar aggregate classification (germline): Benign. Review status: criteria provided, multiple submitters, no conflicts (2 of 4 stars). 2 submissions from 2 submitters: Benign (2). Last evaluated 2018-06-14.

Allele frequency attached by ClinVar (database versions not stated): gnomAD 0.32572 and 0.33552; TOPMed 0.32958; 1000 Genomes Project 30x 0.38959; 1000 Genomes Project 0.39417.
gnomAD v4.1: 302,846 of 753,346 alleles (40%); highest among the groups gnomAD compares: East Asian, 65%; 45,362 homozygotes.

Submissions (2):

GeneDx
Classification: Benign. Last evaluated: 2018-06-14. Review status: criteria provided, single submitter. Criteria: GeneDx Variant Classification (06012015). Collection method: clinical testing. Allele origin: germline. Affected: yes.
Comment: This variant is considered likely benign or benign based on one or more of the following criteria: it is a conservative change, it occurs at a poorly conserved position in the protein, it is predicted to be benign by multiple in silico algorithms, and/or has population frequency not consistent with disease.

Breakthrough Genomics
Classification: Benign. Review status: criteria provided, single submitter. Criteria: ACMG Guidelines, 2015. Collection method: not provided. Allele origin: germline. Inheritance: X-linked inheritance. Affected: yes.

NM_004006.3(DMD):c.3921+128C>T

Gene: DMD (dystrophin; minus strand). Cytogenetic location: Xp21.1.
Variant type: single nucleotide variant.
Coding change: c.3921+128C>T on transcript NM_004006.3 (MANE Select); 128 bases into the intron after coding-DNA position 3921, C replaced by T.
Molecular consequence: intron variant.
Genome position (GRCh38, 1-based): chrX:32,441,052, G>A on the plus strand (C>T on the coding strand, the complement: DMD is on the minus strand). VCF-style: chrX-32441052-G-A. GRCh37 (hg19) VCF-style: chrX-32459169-G-A.
Other names: c.3897+128C>T (NM_000109.4); c.3909+128C>T (NM_004009.3); c.3552+128C>T (NM_004010.3).
Identifiers: ClinVar variation 672515 (VCV000672515.2), dbSNP rs41303185, ClinGen allele CA328027058.